The following is an entry in ClinVar:

ClinVar aggregate classification (germline): Benign (1 of 4 stars; one submission).

Allele frequency attached by ClinVar (database versions not stated): gnomAD exomes 0.02377 and 0.03064; ExAC 0.03356; gnomAD 0.05846 and 0.06127; 1000 Genomes Project 0.06150; 1000 Genomes Project 30x 0.06371; TOPMed 0.06500.
gnomAD v4.1: 42,730 of 1,556,008 alleles (2.7%); highest among the groups gnomAD compares: African/African-American, 15%; 1,315 homozygotes.

Submission:

GeneDx
Classification: Benign. Last evaluated: 2018-06-14. Review status: criteria provided, single submitter. Criteria: GeneDx Variant Classification (06012015). Collection method: clinical testing. Allele origin: germline. Affected: yes.
Comment: This variant is considered likely benign or benign based on one or more of the following criteria: it is a conservative change, it occurs at a poorly conserved position in the protein, it is predicted to be benign by multiple in silico algorithms, and/or has population frequency not consistent with disease.

NM_001182.5(ALDH7A1):c.193-91C>A

Gene: ALDH7A1 (aldehyde dehydrogenase 7 family member A1; minus strand). Cytogenetic location: 5q23.2.
Variant type: single nucleotide variant.
Coding change: c.193-91C>A on transcript NM_001182.5 (MANE Select); 91 bases into the intron before coding-DNA position 193, C replaced by A.
Molecular consequence: intron variant.
Genome position (GRCh38, 1-based): chr5:126,593,495, G>T on the plus strand (C>A on the coding strand, the complement: ALDH7A1 is on the minus strand). VCF-style: chr5-126593495-G-T. GRCh37 (hg19) VCF-style: chr5-125929187-G-T.
Other names: c.193-91C>A (NM_001202404.2); c.109-91C>A (NM_001201377.2).
Identifiers: ClinVar variation 673184 (VCV000673184.1), dbSNP rs75035568, ClinGen allele CA3389887.